The following is an entry in ClinVar:

ClinVar aggregate classification (germline): Uncertain significance (1 of 4 stars; one submission).

gnomAD v4.1: 3 of 1,613,172 alleles (0.00019%); highest among the groups gnomAD compares: Non-Finnish European, 0.00025%; no homozygotes.

Submission:

Labcorp Genetics (formerly Invitae), Labcorp
Classification: Uncertain significance. Last evaluated: 2024-06-13. Review status: criteria provided, single submitter. Criteria: Invitae Variant Classification Sherloc (09022015). Collection method: clinical testing. Allele origin: germline.
Comment: This sequence change replaces methionine, which is neutral and non-polar, with valine, which is neutral and non-polar, at codon 296 of the NR2F1 protein (p.Met296Val). This variant is not present in population databases (gnomAD no frequency). This variant has not been reported in the literature in individuals affected with NR2F1-related conditions. ClinVar contains an entry for this variant (Variation ID: 1438604). Advanced modeling of protein sequence and biophysical properties (such as structural, functional, and spatial information, amino acid conservation, physicochemical variation, residue mobility, and thermodynamic stability) performed at Invitae indicates that this missense variant is not expected to disrupt NR2F1 protein function with a negative predictive value of 80%. In summary, the available evidence is currently insufficient to determine the role of this variant in disease. Therefore, it has been classified as a Variant of Uncertain Significance.

NM_005654.6(NR2F1):c.886A>G (p.Met296Val)

Gene: NR2F1 (nuclear receptor subfamily 2 group F member 1; plus strand). Cytogenetic location: 5q15.
Variant type: single nucleotide variant.
Coding change: c.886A>G on transcript NM_005654.6 (MANE Select); coding-DNA position 886, A replaced by G.
Protein change: p.Met296Val; replaces methionine 296 with valine.
Molecular consequence: missense variant.
Genome position (GRCh38, 1-based): chr5:93,588,339, A>G. VCF-style: chr5-93588339-A-G. GRCh37 (hg19) VCF-style: chr5-92924045-A-G.
Other names: short protein forms M296V.
Identifiers: ClinVar variation 1438604 (VCV001438604.8), dbSNP rs1281229857, ClinGen allele CA360527296.